The following is an entry in ClinVar:

ClinVar aggregate classification (germline): Uncertain significance (1 of 4 stars; one submission).

Allele frequency attached by ClinVar (database versions not stated): gnomAD exomes below 0.00001.
gnomAD v4.1: 2 of 1,614,126 alleles (0.00012%); highest among the groups gnomAD compares: Admixed American, 0.0017%; no homozygotes.

Submission:

Labcorp Genetics (formerly Invitae), Labcorp
Classification: Uncertain significance. Last evaluated: 2023-07-10. Review status: criteria provided, single submitter. Criteria: Invitae Variant Classification Sherloc (09022015). Collection method: clinical testing. Allele origin: germline.
Comment: This sequence change replaces phenylalanine, which is neutral and non-polar, with leucine, which is neutral and non-polar, at codon 466 of the ARHGEF1 protein (p.Phe466Leu). This variant is present in population databases (no rsID available, gnomAD 0.003%). This variant has not been reported in the literature in individuals affected with ARHGEF1-related conditions. An algorithm developed to predict the effect of missense changes on protein structure and function (PolyPhen-2) suggests that this variant is likely to be tolerated. In summary, the available evidence is currently insufficient to determine the role of this variant in disease. Therefore, it has been classified as a Variant of Uncertain Significance.

NM_004706.4(ARHGEF1):c.1353C>A (p.Phe451Leu)

Gene: ARHGEF1 (Rho guanine nucleotide exchange factor 1; plus strand). Cytogenetic location: 19q13.2.
Variant type: single nucleotide variant.
Coding change: c.1353C>A on transcript NM_004706.4 (MANE Select); coding-DNA position 1353, C replaced by A.
Protein change: p.Phe451Leu; replaces phenylalanine 451 with leucine.
Molecular consequence: missense variant. On other transcripts: non-coding transcript variant (2).
Genome position (GRCh38, 1-based): chr19:41,901,972, C>A. VCF-style: chr19-41901972-C-A. GRCh37 (hg19) VCF-style: chr19-42406122-C-A.
Other names: c.1521C>A, p.Phe507Leu (NM_001396000.1); c.1254C>A, p.Phe418Leu (NM_001396002.1, NM_001396004.1, NM_198977.2); c.1353C>A, p.Phe451Leu (NM_001396003.1, NM_001396006.1); c.1398C>A, p.Phe466Leu (NM_199002.2); short protein forms F451L, F466L, F507L, F418L.
Identifiers: ClinVar variation 2862307 (VCV002862307.3), dbSNP rs1555849100, ClinGen allele CA406060284.